The following is an entry in ClinVar:

NM_000101.4(CYBA):c.*49T>C

Gene: CYBA (cytochrome b-245 alpha chain; minus strand). Cytogenetic location: 16q24.2.
Variant type: single nucleotide variant.
Coding change: c.*49T>C on transcript NM_000101.4 (MANE Select); 49 bases downstream of the stop codon, T replaced by C.
Molecular consequence: 3 prime UTR variant.
Genome position (GRCh38, 1-based): chr16:88,643,304, A>G on the plus strand (T>C on the coding strand, the complement: CYBA is on the minus strand). VCF-style: chr16-88643304-A-G. GRCh37 (hg19) VCF-style: chr16-88709712-A-G.
Identifiers: ClinVar variation 1172927 (VCV001172927.7), dbSNP rs7195830, ClinGen allele CA8228149.

ClinVar aggregate classification (germline): Benign. Review status: criteria provided, multiple submitters, no conflicts (2 of 4 stars). 4 submissions from 4 submitters: Benign (4). Last evaluated 2024-01-24.

Conditions:
Granulomatous disease, chronic, autosomal recessive, cytochrome b-negative. Also called: CGD DUE TO DEFICIENCY OF THE ALPHA SUBUNIT OF CYTOCHROME b; CGD, AUTOSOMAL RECESSIVE CYTOCHROME b-NEGATIVE; CYBA DEFICIENCY; Chronic granulomatous disease, autosomal, due to deficiency of CYBA; GRANULOMATOUS DISEASE, CHRONIC, AUTOSOMAL RECESSIVE, 4. Identifiers: Orphanet 379, MedGen C1856255, MONDO:0009308, OMIM 233690.

Allele frequency attached by ClinVar (database versions not stated): gnomAD exomes 0.61487 and 0.61754; ExAC 0.67183; gnomAD 0.68978 and 0.69072; TOPMed 0.69324; 1000 Genomes Project 30x 0.73766; 1000 Genomes Project 0.73962; ESP Exome Variant Server 0.76850.
gnomAD v4.1: 847,601 of 1,358,570 alleles (62%); highest among the groups gnomAD compares: African/African-American, 84%; 268,002 homozygotes.

Submissions (4):

Unidad de Genómica Garrahan, Hospital de Pediatría Garrahan
Classification: Benign. Last evaluated: 2024-01-24. Review status: criteria provided, single submitter. Criteria: ACMG Guidelines, 2015. Collection method: clinical testing. Allele origin: germline. Affected: no. Observed: 81 variant alleles.
Comment: This variant is classified as Benign based on local population frequency. This variant was detected in 85% of patients studied by a panel of primary immunodeficiencies. Number of patients: 81. Only high quality variants are reported.

Genome-Nilou Lab
Classification: Benign for Granulomatous disease, chronic, autosomal recessive, cytochrome b-negative. Last evaluated: 2021-06-10. Review status: criteria provided, single submitter. Criteria: ACMG Guidelines, 2015. Collection method: clinical testing. Allele origin: germline. Affected: no.

GeneDx
Classification: Benign. Last evaluated: 2015-03-03. Review status: criteria provided, single submitter. Criteria: GeneDx Variant Classification Process June 2021. Collection method: clinical testing. Allele origin: germline. Affected: yes.

Breakthrough Genomics
Classification: Benign. Review status: criteria provided, single submitter. Criteria: ACMG Guidelines, 2015. Collection method: not provided. Allele origin: germline. Inheritance: Autosomal recessive inheritance. Affected: yes.